The following is an entry in ClinVar:

NM_001927.4(DES):c.410C>A (p.Ala137Asp)

Gene: DES (desmin; plus strand). Cytogenetic location: 2q35.
Variant type: single nucleotide variant.
Coding change: c.410C>A on transcript NM_001927.4 (MANE Select); coding-DNA position 410, C replaced by A.
Protein change: p.Ala137Asp; replaces alanine 137 with aspartic acid.
Molecular consequence: missense variant.
Genome position (GRCh38, 1-based): chr2:219,418,872, C>A. VCF-style: chr2-219418872-C-A. GRCh37 (hg19) VCF-style: chr2-220283594-C-A.
Other names: c.410C>A (LRG_380t1); short protein forms A137D.
Identifiers: ClinVar variation 239076 (VCV000239076.11), dbSNP rs775115627, ClinGen allele CA10581947.

ClinVar aggregate classification (germline): Uncertain significance (1 of 4 stars; one submission).

Conditions:
Desmin-related myofibrillar myopathy (MFM1). Also called: Myofibrillar myopathy 1; Desminopathy; Desmin related myopathy (former name); Desmin storage myopathy (former name); MYOFIBRILLAR MYOPATHY WITH ARRHYTHMOGENIC RIGHT VENTRICULAR CARDIOMYOPATHY; DESMIN-RELATED MYOPATHY WITH ARRHYTHMOGENIC RIGHT VENTRICULAR CARDIOMYOPATHY. Identifiers: Orphanet 363543, Orphanet 98909, MedGen C1832370, MONDO:0011076, OMIM 601419.

Allele frequency attached by ClinVar (database versions not stated): TOPMed below 0.00001.
gnomAD v4.1: 2 of 1,573,814 alleles (0.00013%); highest among the groups gnomAD compares: African/African-American, 0.0027%; no homozygotes.

Submission:

Labcorp Genetics (formerly Invitae), Labcorp
Classification: Uncertain significance for Desmin-related myofibrillar myopathy. Last evaluated: 2019-01-10. Review status: criteria provided, single submitter. Criteria: Invitae Variant Classification Sherloc (09022015). Collection method: clinical testing. Allele origin: germline.
Comment: In summary, the available evidence is currently insufficient to determine the role of this variant in disease. Therefore, it has been classified as a Variant of Uncertain Significance. Algorithms developed to predict the effect of missense changes on protein structure and function are either unavailable or do not agree on the potential impact of this missense change (SIFT: "Deleterious"; PolyPhen-2: "Benign"; Align-GVGD: "Class C25"). This variant has not been reported in the literature in individuals with DES-related conditions. ClinVar contains an entry for this variant (Variation ID: 239076). This variant is not present in population databases (ExAC no frequency). This sequence change replaces alanine with aspartic acid at codon 137 of the DES protein (p.Ala137Asp). The alanine residue is highly conserved and there is a moderate physicochemical difference between alanine and aspartic acid.